The following is an entry in ClinVar:

NM_001013703.4(EIF2AK4):c.4009C>T (p.Arg1337Ter)

Gene: EIF2AK4 (eukaryotic translation initiation factor 2 alpha kinase 4; plus strand). Cytogenetic location: 15q15.1.
Variant type: single nucleotide variant.
Coding change: c.4009C>T on transcript NM_001013703.4 (MANE Select); coding-DNA position 4009, C replaced by T.
Protein change: p.Arg1337Ter; replaces arginine 1337 with a stop codon.
Molecular consequence: nonsense.
Genome position (GRCh38, 1-based): chr15:40,017,186, C>T. VCF-style: chr15-40017186-C-T. GRCh37 (hg19) VCF-style: chr15-40309387-C-T.
Other names: short protein forms R1337*.
Identifiers: ClinVar variation 1937703 (VCV001937703.6), dbSNP rs770279669, ClinGen allele CA7474492.
Genomic context (GRCh38, chr15:40,017,186, plus strand): 5'-TTGGTTTACAAGGTGCAGCAGCACAATGGAATCATCTTCCAGTTTGTGGCTTTCATCAAA[C>T]GAAGGCAAAGGGCTGTACCTGAAATCCTCGCAGCTGGAGGCAGATATGACCTGCTGGTGA-3'

ClinVar aggregate classification (germline): Pathogenic/Likely pathogenic. Review status: criteria provided, multiple submitters, no conflicts (2 of 4 stars). 2 submissions from 2 submitters: Pathogenic (1); Likely pathogenic (1). Last evaluated 2022-10-03.

Conditions:
Familial pulmonary capillary hemangiomatosis (PVOD2). Also called: Pulmonary venoocclusive disease 2, autosomal recessive; Pulmonary venoocclusive disease 2. Identifiers: Orphanet 199241, MedGen C0340848, MONDO:0009329, OMIM 234810.

Allele frequency attached by ClinVar (database versions not stated): ExAC 0.00002.
gnomAD v4.1: 43 of 1,613,842 alleles (0.0027%); highest among the groups gnomAD compares: Non-Finnish European, 0.0034%; no homozygotes.

Submissions (2):

Department of Pathology and Laboratory Medicine, Sinai Health System
Classification: Likely pathogenic for Familial pulmonary capillary hemangiomatosis. Last evaluated: 2022-10-03. Review status: criteria provided, single submitter. Criteria: ACMG Guidelines, 2015. Collection method: research. Allele origin: germline.

Labcorp Genetics (formerly Invitae), Labcorp
Classification: Pathogenic. Last evaluated: 2022-04-13. Review status: criteria provided, single submitter. Criteria: Invitae Variant Classification Sherloc (09022015). Collection method: clinical testing. Allele origin: germline.
Comment: For these reasons, this variant has been classified as Pathogenic. This variant has not been reported in the literature in individuals affected with EIF2AK4-related conditions. This variant is present in population databases (rs770279669, gnomAD 0.006%). This sequence change creates a premature translational stop signal (p.Arg1337*) in the EIF2AK4 gene. It is expected to result in an absent or disrupted protein product. Loss-of-function variants in EIF2AK4 are known to be pathogenic (PMID: 12215525, 24135949, 24292273, 24310610, 28972005, 29743074).

Literature cited by the submitters: PubMed 12215525 (cited by Labcorp Genetics (formerly Invitae), Labcorp); PubMed 24135949 (cited by Labcorp Genetics (formerly Invitae), Labcorp); PubMed 24292273 (cited by Labcorp Genetics (formerly Invitae), Labcorp); PubMed 24310610 (cited by Labcorp Genetics (formerly Invitae), Labcorp); PubMed 28972005 (cited by Labcorp Genetics (formerly Invitae), Labcorp); PubMed 29743074 (cited by Labcorp Genetics (formerly Invitae), Labcorp).